The following is an entry in ClinVar:

ClinVar aggregate classification (germline): Uncertain significance. Review status: criteria provided, multiple submitters, no conflicts (2 of 4 stars). 4 submissions from 4 submitters: Uncertain significance (4). Last evaluated 2024-01-23.

Conditions:
Fraser syndrome 1 (FRASRS1). Also called: CRYPTOPHTHALMOS WITH OTHER MALFORMATIONS. Identifiers: Orphanet 2052, MedGen C4551480, MONDO:0054737, OMIM 219000.
Inborn genetic diseases. Identifiers: MedGen C0950123, MeSH D030342.

Allele frequency attached by ClinVar (database versions not stated): TOPMed 0.00003; gnomAD 0.00004; gnomAD exomes 0.00005 and 0.00009; ExAC 0.00010.
gnomAD v4.1: 77 of 1,613,668 alleles (0.0048%); highest among the groups gnomAD compares: South Asian, 0.023%; no homozygotes.

Submissions (4):

Fulgent Genetics
Classification: Uncertain significance for Fraser syndrome 1. Last evaluated: 2024-01-23. Review status: criteria provided, single submitter. Criteria: ACMG Guidelines, 2015. Collection method: clinical testing. Allele origin: germline.

Ambry Genetics
Classification: Uncertain significance for Inborn genetic diseases. Last evaluated: 2022-12-27. Review status: criteria provided, single submitter. Criteria: Ambry Variant Classification Scheme 2023. Collection method: clinical testing. Allele origin: germline.

Labcorp Genetics (formerly Invitae), Labcorp
Classification: Uncertain significance. Last evaluated: 2021-09-01. Review status: criteria provided, single submitter. Criteria: Invitae Variant Classification Sherloc (09022015). Collection method: clinical testing. Allele origin: germline.
Comment: This sequence change replaces glycine with arginine at codon 283 of the FRAS1 protein (p.Gly283Arg). The glycine residue is moderately conserved and there is a moderate physicochemical difference between glycine and arginine. This variant is present in population databases (rs752345568, ExAC 0.03%). This variant has not been reported in the literature in individuals affected with FRAS1-related conditions. Algorithms developed to predict the effect of missense changes on protein structure and function output the following: SIFT: "Tolerated"; PolyPhen-2: "Benign"; Align-GVGD: "Class C0". The arginine amino acid residue is found in multiple mammalian species, which suggests that this missense change does not adversely affect protein function. Algorithms developed to predict the effect of sequence changes on RNA splicing suggest that this variant may create or strengthen a splice site. In summary, the available evidence is currently insufficient to determine the role of this variant in disease. Therefore, it has been classified as a Variant of Uncertain Significance.

Breakthrough Genomics
Classification: Uncertain significance. Review status: criteria provided, single submitter. Criteria: ACMG Guidelines, 2015. Collection method: not provided. Allele origin: germline. Inheritance: Autosomal recessive inheritance. Affected: yes.

NM_025074.7(FRAS1):c.847G>A (p.Gly283Arg)

Gene: FRAS1 (Fraser extracellular matrix complex subunit 1; plus strand). Cytogenetic location: 4q21.21.
Variant type: single nucleotide variant.
Coding change: c.847G>A on transcript NM_025074.7 (MANE Select); coding-DNA position 847, G replaced by A.
Protein change: p.Gly283Arg; replaces glycine 283 with arginine.
Molecular consequence: missense variant.
Genome position (GRCh38, 1-based): chr4:78,267,298, G>A. VCF-style: chr4-78267298-G-A. GRCh37 (hg19) VCF-style: chr4-79188452-G-A.
Other names: c.847G>A, p.Gly283Arg (NM_001166133.2); c.847G>A (NM_025074.6); short protein forms G283R.
Identifiers: ClinVar variation 1432992 (VCV001432992.9), dbSNP rs752345568, ClinGen allele CA2976098.